The following is an entry in ClinVar:

NM_001430.5(EPAS1):c.2314G>C (p.Gly772Arg)

Gene: EPAS1 (endothelial PAS domain protein 1; plus strand). Cytogenetic location: 2p21.
Variant type: single nucleotide variant.
Coding change: c.2314G>C on transcript NM_001430.5 (MANE Select); coding-DNA position 2314, G replaced by C.
Protein change: p.Gly772Arg; replaces glycine 772 with arginine.
Molecular consequence: missense variant.
Genome position (GRCh38, 1-based): chr2:46,382,451, G>C. VCF-style: chr2-46382451-G-C. GRCh37 (hg19) VCF-style: chr2-46609590-G-C.
Other names: short protein forms G772R.
Identifiers: ClinVar variation 3508985 (VCV003508985.1).

ClinVar aggregate classification (germline): Uncertain significance (1 of 4 stars; one submission).

Conditions:
Inborn genetic diseases. Identifiers: MedGen C0950123, MeSH D030342.

Submission:

Ambry Genetics
Classification: Uncertain significance for Inborn genetic diseases. Last evaluated: 2024-09-16. Review status: criteria provided, single submitter. Criteria: Ambry Variant Classification Scheme 2023. Collection method: clinical testing. Allele origin: germline.
Comment: The p.G772R variant (also known as c.2314G>C), located in coding exon 15 of the EPAS1 gene, results from a G to C substitution at nucleotide position 2314. The glycine at codon 772 is replaced by arginine, an amino acid with dissimilar properties. This amino acid position is conserved. In addition, the in silico prediction for this alteration is inconclusive. Based on the available evidence, the clinical significance of this variant remains unclear.